The following is an entry in ClinVar:

NM_001048174.2(MUTYH):c.1279G>C (p.Val427Leu)

Gene: MUTYH (mutY DNA glycosylase; minus strand). Cytogenetic location: 1p34.1.
Variant type: single nucleotide variant.
Coding change: c.1279G>C on transcript NM_001048174.2 (MANE Select); coding-DNA position 1279, G replaced by C.
Protein change: p.Val427Leu; replaces valine 427 with leucine.
Molecular consequence: missense variant. On other transcripts: non-coding transcript variant (7).
Genome position (GRCh38, 1-based): chr1:45,331,295, C>G on the plus strand (G>C on the coding strand, the complement: MUTYH is on the minus strand). VCF-style: chr1-45331295-C-G. GRCh37 (hg19) VCF-style: chr1-45796967-C-G.
Other names: c.1240G>C, p.Val414Leu (NM_001407079.1); c.1237G>C, p.Val413Leu (NM_001407080.1); c.1279G>C, p.Val427Leu (NM_001407081.1, NM_001407088.1, NM_001407089.1 and 6 more transcripts); c.934G>C, p.Val312Leu (NM_001407082.1, NM_001350650.2, NM_001350651.2); c.1321G>C, p.Val441Leu (NM_001407083.1, NM_001407085.1); c.1282G>C, p.Val428Leu (NM_001407086.1, NM_001048172.2, NM_001407071.1 and 1 more transcripts); c.1300G>C, p.Val434Leu (NM_001407087.1); c.1363G>C, p.Val455Leu (NM_001128425.2); and 5 more; short protein forms V312L, V335L, V399L, V413L, V414L, V427L, V428L, V434L.
Identifiers: ClinVar variation 4860478 (VCV004860478.1).

ClinVar aggregate classification (germline): Uncertain significance (1 of 4 stars; one submission).

Conditions:
Hereditary cancer-predisposing syndrome. Also called: Neoplastic Syndromes, Hereditary; Tumor predisposition; Hereditary Cancer Syndrome; Hereditary neoplastic syndrome. Identifiers: Orphanet 140162, MedGen C0027672, MeSH D009386, MONDO:0015356.

Submission:

Ambry Genetics
Classification: Uncertain significance for Hereditary cancer-predisposing syndrome. Last evaluated: 2026-03-27. Review status: criteria provided, single submitter. Criteria: Ambry Variant Classification Scheme 2023. Collection method: clinical testing. Allele origin: germline.
Comment: The p.V455L variant (also known as c.1363G>C), located in coding exon 14 of the MUTYH gene, results from a G to C substitution at nucleotide position 1363. The valine at codon 455 is replaced by leucine, an amino acid with highly similar properties. This amino acid position is highly conserved in available vertebrate species. In addition, this alteration is predicted to be deleterious by in silico analysis. Based on the available evidence, the clinical significance of this variant remains unclear.